The following is an entry in ClinVar:

ClinVar aggregate classification (germline): Conflicting classifications of pathogenicity. Review status: criteria provided, conflicting classifications (1 of 4 stars). 3 submissions from 3 submitters: Likely pathogenic (1); Uncertain significance (2). Last evaluated 2024-01-30.

Conditions:
Dehydrated hereditary stomatocytosis with or without pseudohyperkalemia and/or perinatal edema (DHS1). Also called: Dehydrated hereditary stomatocytosis 1 with or without pseudohyperkalemia and/or perinatal edema; PSEUDOHYPERKALEMIA EDINBURGH; DEHYDRATED HEREDITARY STOMATOCYTOSIS AND PSEUDOHYPERKALEMIA; DEHYDRATED HEREDITARY STOMATOCYTOSIS WITH PSEUDOHYPERKALEMIA AND PERINATAL EDEMA; Pseudohyperkalemia, familial, 1, due to red cell leak. Identifiers: Orphanet 3202, MedGen C4551512, MONDO:0008689, OMIM 194380.

Allele frequency attached by ClinVar (database versions not stated): gnomAD exomes below 0.00001; ExAC 0.00005.
gnomAD v4.1: 3 of 1,550,342 alleles (0.00019%); highest among the groups gnomAD compares: South Asian, 0.0012%; no homozygotes.

Submissions (3):

Revvity Omics, Revvity
Classification: Uncertain significance. Last evaluated: 2024-01-30. Review status: criteria provided, single submitter. Criteria: ACMG Guidelines, 2015. Collection method: clinical testing. Allele origin: germline.

Neuberg Centre For Genomic Medicine, NCGM
Classification: Uncertain significance for Dehydrated hereditary stomatocytosis with or without pseudohyperkalemia and/or perinatal edema. Last evaluated: 2023-06-22. Review status: criteria provided, single submitter. Criteria: ACMG Guidelines, 2015. Collection method: clinical testing. Allele origin: germline. Inheritance: Autosomal dominant inheritance. Affected: yes.
Comment: The observed missense variant c.7463G>A(p.Arg2488Gln) in PIEZO1 gene has not been reported previously as a pathogenic variant nor as a benign variant, to our knowledge. This variant is reported with 0.001% allele frequency in gnomAD Exomes. The amino acid Arg at position 2488 is changed to a Gln changing protein sequence and it might alter its composition and physico-chemical properties. Multiple lines of computational evidence (Polyphen-probably damaging, SIFT-damaging and MutationTaster-disease causing) predict a damaging effect on protein structure and function for this variant. The reference amino acid p.Arg2488Gln in PIEZO1 is predicted as conserved by GERP++ and PhyloP across 100 vertebrates. For these reasons, this variant has been classified as uncertain significance .

Mayo Clinic Laboratories, Mayo Clinic
Classification: Likely pathogenic. Last evaluated: 2022-02-28. Review status: criteria provided, single submitter. Criteria: ACMG Guidelines, 2015. Collection method: clinical testing. Allele origin: germline. Observed: 1 variant allele.
Comment: PP1, PM1, PM2, PS3

NM_001142864.4(PIEZO1):c.7463G>A (p.Arg2488Gln)

Gene: PIEZO1 (piezo type mechanosensitive ion channel component 1 (Er blood group); minus strand). Cytogenetic location: 16q24.3.
Variant type: single nucleotide variant.
Coding change: c.7463G>A on transcript NM_001142864.4 (MANE Select); coding-DNA position 7463, G replaced by A.
Protein change: p.Arg2488Gln; replaces arginine 2488 with glutamine.
Molecular consequence: missense variant.
Genome position (GRCh38, 1-based): chr16:88,715,708, C>T on the plus strand (G>A on the coding strand, the complement: PIEZO1 is on the minus strand). VCF-style: chr16-88715708-C-T. GRCh37 (hg19) VCF-style: chr16-88782116-C-T.
Other names: p.Arg2488Gln; c.6005G>A, p.Arg2002Gln (NM_014745.1); short protein forms R2002Q, R2488Q.
Identifiers: ClinVar variation 2683497 (VCV002683497.3), dbSNP rs749288233, ClinGen allele CA8231310.